The following is an entry in ClinVar:

ClinVar aggregate classification (germline): Benign. Review status: criteria provided, multiple submitters, no conflicts (2 of 4 stars). 8 submissions from 8 submitters: Benign (7). 1 of the submissions does not count toward it. Last evaluated 2026-02-04.

Conditions:
Donnai-Barrow syndrome. Also called: DBS/FOAR SYNDROME; FACIOOCULOACOUSTICORENAL SYNDROME. Identifiers: Orphanet 2143, MedGen C1857277, MONDO:0009104, OMIM 222448.

Allele frequency attached by ClinVar (database versions not stated): 1000 Genomes Project 0.04752; 1000 Genomes Project 30x 0.04950; TOPMed 0.07034; ESP Exome Variant Server 0.07320.
gnomAD v4.1: 115,724 of 1,612,032 alleles (7.2%); highest among the groups gnomAD compares: Non-Finnish European, 8%; 4,620 homozygotes.

Submissions (8):

Labcorp Genetics (formerly Invitae), Labcorp
Classification: Benign. Last evaluated: 2026-02-04. Review status: criteria provided, single submitter. Criteria: Invitae Variant Classification Sherloc (09022015). Collection method: clinical testing. Allele origin: germline.

Mayo Clinic Laboratories, Mayo Clinic
Classification: Benign. Last evaluated: 2022-11-10. Review status: criteria provided, single submitter. Criteria: ACMG Guidelines, 2015. Collection method: clinical testing. Allele origin: germline. Observed: 9 variant alleles.

Genome-Nilou Lab
Classification: Benign for Donnai-Barrow syndrome. Last evaluated: 2021-08-19. Review status: criteria provided, single submitter. Criteria: ACMG Guidelines, 2015. Collection method: clinical testing. Allele origin: germline. Affected: no.

GeneDx
Classification: Benign. Last evaluated: 2019-02-21. Review status: criteria provided, single submitter. Criteria: GeneDx Variant Classification Process June 2021. Collection method: clinical testing. Allele origin: germline. Affected: yes.

Illumina Laboratory Services, Illumina
Classification: Benign for Donnai-Barrow syndrome. Last evaluated: 2018-01-12. Review status: criteria provided, single submitter. Criteria: ICSL Variant Classification Criteria 13 December 2019. Collection method: clinical testing. Allele origin: germline.
Comment: This variant was observed in the ICSL laboratory as part of a predisposition screen in an ostensibly healthy population. It had not been previously curated by ICSL or reported in the Human Gene Mutation Database (HGMD: prior to June 1st, 2018), and was therefore a candidate for classification through an automated scoring system. Utilizing variant allele frequency, disease prevalence and penetrance estimates, and inheritance mode, an automated score was calculated to assess if this variant is too frequent to cause the disease. Based on the score and internal cut-off values, a variant classified as benign is not then subjected to further curation. The score for this variant resulted in a classification of benign for this disease.

Breakthrough Genomics
Classification: Benign. Review status: criteria provided, single submitter. Criteria: ACMG Guidelines, 2015. Collection method: not provided. Allele origin: germline. Inheritance: Autosomal recessive inheritance. Affected: yes.

PreventionGenetics, part of Exact Sciences
Classification: Benign. Review status: criteria provided, single submitter. Criteria: ACMG Guidelines, 2015. Collection method: clinical testing. Allele origin: germline.

Genetic Services Laboratory, University of Chicago
Classification: Likely benign for AllHighlyPenetrant. Review status: no assertion criteria provided. Collection method: clinical testing. Allele origin: germline. Inheritance: Autosomal recessive inheritance. Not counted in ClinVar's aggregate classification.
Comment: Likely benign based on allele frequency in 1000 Genomes Project or ESP global frequency and its presence in a patient with a rare or unrelated disease phenotype. NOT Sanger confirmed.

NM_004525.3(LRP2):c.402C>A (p.Pro134=)

Gene: LRP2 (LDL receptor related protein 2; minus strand). Cytogenetic location: 2q31.1.
Variant type: single nucleotide variant.
Coding change: c.402C>A on transcript NM_004525.3 (MANE Select); coding-DNA position 402, C replaced by A.
Protein change: p.Pro134=; no amino-acid change (proline 134 retained).
Molecular consequence: synonymous variant.
Genome position (GRCh38, 1-based): chr2:169,307,306, G>T on the plus strand (C>A on the coding strand, the complement: LRP2 is on the minus strand). VCF-style: chr2-169307306-G-T. GRCh37 (hg19) VCF-style: chr2-170163816-G-T.
Other names: p.Pro134=.
Identifiers: ClinVar variation 129521 (VCV000129521.23), dbSNP rs34104660, ClinGen allele CA153582.